The following is an entry in ClinVar:

NM_000214.3(JAG1):c.3525G>A (p.Ala1175=)

Gene: JAG1 (jagged canonical Notch ligand 1; minus strand). Cytogenetic location: 20p12.2.
Variant type: single nucleotide variant.
Coding change: c.3525G>A on transcript NM_000214.3 (MANE Select); coding-DNA position 3525, G replaced by A.
Protein change: p.Ala1175=; no amino-acid change (alanine 1175 retained).
Molecular consequence: synonymous variant.
Genome position (GRCh38, 1-based): chr20:10,639,630, C>T on the plus strand (G>A on the coding strand, the complement: JAG1 is on the minus strand). VCF-style: chr20-10639630-C-T. GRCh37 (hg19) VCF-style: chr20-10620278-C-T.
Other names: c.3525G>A, p.Ala1175= (LRG_1191t1).
Identifiers: ClinVar variation 518698 (VCV000518698.14), dbSNP rs745431482, ClinGen allele CA9764195.

ClinVar aggregate classification (germline): Likely benign. Review status: criteria provided, multiple submitters, no conflicts (2 of 4 stars). 4 submissions from 4 submitters: Likely benign (4). Last evaluated 2026-04-15.

Conditions:
JAG1-related disorder. Also called: JAG1-related condition; JAG1-related disorders.
Alagille syndrome due to a JAG1 point mutation. Also called: HEPATIC DUCTULAR HYPOPLASIA, SYNDROMATIC; Alagille Syndrome 1; JAG1-Related Alagille Syndrome. Identifiers: Orphanet 261619, Orphanet 52, MedGen C1956125, MONDO:0016862, OMIM 118450.
Cardiovascular phenotype. Identifiers: MedGen CN230736.

Allele frequency attached by ClinVar (database versions not stated): gnomAD exomes 0.00002 and 0.00003; gnomAD 0.00003; TOPMed 0.00003; ExAC 0.00002.
gnomAD v4.1: 32 of 1,614,082 alleles (0.002%); highest among the groups gnomAD compares: East Asian, 0.0045%; no homozygotes.

Submissions (4):

PreventionGenetics, part of Exact Sciences
Classification: Likely benign for JAG1-related condition. Last evaluated: 2026-04-15. Review status: criteria provided, single submitter. Criteria: ACMG Guidelines, 2015. Collection method: clinical testing. Allele origin: germline.
Comment: This variant is classified as likely benign based on ACMG/AMP sequence variant interpretation guidelines (Richards et al. 2015 PMID: 25741868, with internal and published modifications).

Labcorp Genetics (formerly Invitae), Labcorp
Classification: Likely benign for Alagille syndrome due to a JAG1 point mutation. Last evaluated: 2025-07-14. Review status: criteria provided, single submitter. Criteria: Invitae Variant Classification Sherloc (09022015). Collection method: clinical testing. Allele origin: germline.

Blueprint Genetics
Classification: Likely benign. Last evaluated: 2023-07-07. Review status: criteria provided, single submitter. Criteria: ACMG Guidelines, 2015. Collection method: clinical testing. Allele origin: germline.

Ambry Genetics
Classification: Likely benign for Cardiovascular phenotype. Last evaluated: 2017-07-26. Review status: criteria provided, single submitter. Criteria: Ambry Variant Classification Scheme 2023. Collection method: clinical testing. Allele origin: germline.